The following is an entry in ClinVar:

ClinVar aggregate classification (germline): Uncertain significance (1 of 4 stars; one submission).

Submission:

GeneDx
Classification: Uncertain significance. Last evaluated: 2024-01-02. Review status: criteria provided, single submitter. Criteria: GeneDx Variant Classification Process June 2021. Collection method: clinical testing. Allele origin: germline. Affected: yes.
Comment: Not observed at significant frequency in large population cohorts (gnomAD); In silico analysis supports that this missense variant does not alter protein structure/function; Has not been previously published as pathogenic or benign to our knowledge

NM_020922.5(WNK3):c.3682G>A (p.Asp1228Asn)

Gene: WNK3 (WNK lysine deficient protein kinase 3; minus strand). Cytogenetic location: Xp11.22.
Variant type: single nucleotide variant.
Coding change: c.3682G>A on transcript NM_020922.5 (MANE Select); coding-DNA position 3682, G replaced by A.
Protein change: p.Asp1228Asn; replaces aspartic acid 1228 with asparagine.
Molecular consequence: missense variant.
Genome position (GRCh38, 1-based): chrX:54,239,069, C>T on the plus strand (G>A on the coding strand, the complement: WNK3 is on the minus strand). VCF-style: chrX-54239069-C-T. GRCh37 (hg19) VCF-style: chrX-54265502-C-T.
Other names: c.3682G>A, p.Asp1228Asn (NM_001002838.4, NM_001395166.1); short protein forms D1228N.
Identifiers: ClinVar variation 3370238 (VCV003370238.1).